The following is an entry in ClinVar:

ClinVar aggregate classification (germline): Pathogenic. Review status: criteria provided, multiple submitters, no conflicts (2 of 4 stars). 3 submissions from 3 submitters: Pathogenic (3). Last evaluated 2023-09-06.

Conditions:
Hereditary cancer-predisposing syndrome. Also called: Hereditary Cancer Syndrome; Tumor predisposition; Hereditary neoplastic syndrome; Neoplastic Syndromes, Hereditary. Identifiers: Orphanet 140162, MedGen C0027672, MeSH D009386, MONDO:0015356.
Familial cancer of breast. Also called: hereditary breast carcinoma; Hereditary breast cancer; BREAST CANCER, FAMILIAL. Identifiers: Orphanet 227535, MedGen C0346153, MONDO:0016419, OMIM 114480. Disease mechanism: loss of function.

Submissions (3):

Myriad Genetics, Inc.
Classification: Pathogenic for Familial cancer of breast. Last evaluated: 2023-09-06. Review status: criteria provided, single submitter. Criteria: Myriad Autosomal Dominant, Autosomal Recessive and X-Linked Classification Criteria (2023). Collection method: clinical testing. Allele origin: unknown.
Comment: This variant is considered pathogenic. This variant creates a frameshift predicted to result in premature protein truncation.

Ambry Genetics
Classification: Pathogenic for Hereditary cancer-predisposing syndrome. Last evaluated: 2022-09-10. Review status: criteria provided, single submitter. Criteria: Ambry Variant Classification Scheme 2023. Collection method: clinical testing. Allele origin: germline.
Comment: The c.521_522insCA pathogenic mutation, located in coding exon 4 of the PALB2 gene, results from an insertion of two nucleotides at position 521, causing a translational frameshift with a predicted alternate stop codon (p.K174Nfs*4). This variant is considered to be rare based on population cohorts in the Genome Aggregation Database (gnomAD). This alteration is expected to result in loss of function by premature protein truncation or nonsense-mediated mRNA decay. As such, this alteration is interpreted as a disease-causing mutation.

Labcorp Genetics (formerly Invitae), Labcorp
Classification: Pathogenic for Familial cancer of breast. Last evaluated: 2021-12-26. Review status: criteria provided, single submitter. Criteria: Invitae Variant Classification Sherloc (09022015). Collection method: clinical testing. Allele origin: germline.
Comment: This variant has not been reported in the literature in individuals affected with PALB2-related conditions. ClinVar contains an entry for this variant (Variation ID: 645738). For these reasons, this variant has been classified as Pathogenic. This variant is not present in population databases (gnomAD no frequency). This sequence change creates a premature translational stop signal (p.Lys174Asnfs*4) in the PALB2 gene. It is expected to result in an absent or disrupted protein product. Loss-of-function variants in PALB2 are known to be pathogenic (PMID: 17200668, 17200671, 17200672, 24136930, 25099575).

Literature cited by the submitters: PubMed 17200668 (cited by Labcorp Genetics (formerly Invitae), Labcorp); PubMed 17200671 (cited by Labcorp Genetics (formerly Invitae), Labcorp); PubMed 17200672 (cited by Labcorp Genetics (formerly Invitae), Labcorp); PubMed 24136930 (cited by Labcorp Genetics (formerly Invitae), Labcorp); PubMed 25099575 (cited by Labcorp Genetics (formerly Invitae), Labcorp).

NM_024675.4(PALB2):c.521_522insCA (p.Lys174fs)

Gene: PALB2 (partner and localizer of BRCA2; minus strand). Cytogenetic location: 16p12.2.
Variant type: Insertion.
Coding change: c.521_522insCA on transcript NM_024675.4 (MANE Select); coding-DNA positions 521 to 522, CA inserted.
Protein change: p.Lys174fs; shifts the reading frame from lysine 174.
Molecular consequence: frameshift variant.
Genome position: GRCh38 VCF-style: chr16-23636024-T-TTG. GRCh37 (hg19) VCF-style: chr16-23647345-T-TTG.
Other names: short protein forms K174fs.
Identifiers: ClinVar variation 645738 (VCV000645738.11), dbSNP rs1597098996, ClinGen allele CA915949134.